The following is an entry in ClinVar:

NM_024721.5(ZFHX4):c.6982A>G (p.Ile2328Val)

Gene: ZFHX4 (zinc finger homeobox 4; plus strand). Cytogenetic location: 8q21.13.
Variant type: single nucleotide variant.
Coding change: c.6982A>G on transcript NM_024721.5 (MANE Select); coding-DNA position 6982, A replaced by G.
Protein change: p.Ile2328Val; replaces isoleucine 2328 with valine.
Molecular consequence: missense variant.
Genome position (GRCh38, 1-based): chr8:76,853,903, A>G. VCF-style: chr8-76853903-A-G. GRCh37 (hg19) VCF-style: chr8-77766139-A-G.
Other names: c.6904A>G, p.Ile2302Val (NM_001410934.1); short protein forms I2328V, I2302V.
Identifiers: ClinVar variation 3819039 (VCV003819039.3).

ClinVar aggregate classification (germline): Conflicting classifications of pathogenicity. Review status: criteria provided, conflicting classifications (1 of 4 stars). 2 submissions from 2 submitters: Uncertain significance (1); Likely benign (1). Last evaluated 2026-04-01.

gnomAD v4.1: 104 of 1,613,962 alleles (0.0064%); highest among the groups gnomAD compares: Non-Finnish European, 0.0081%; no homozygotes.

Submissions (2):

CeGaT Center for Human Genetics Tuebingen
Classification: Likely benign. Last evaluated: 2026-04-01. Review status: criteria provided, single submitter. Criteria: CeGaT Center For Human Genetics Tuebingen Variant Classification Criteria Version 2. Collection method: clinical testing. Allele origin: germline. Affected: yes. Observed: 1 variant allele.
Comment: ZFHX4: BS2

Ambry Genetics
Classification: Uncertain significance. Last evaluated: 2025-01-22. Review status: criteria provided, single submitter. Criteria: Ambry Variant Classification Scheme 2023. Collection method: clinical testing. Allele origin: germline.